The following is an entry in ClinVar:

NM_001277115.2(DNAH11):c.6853A>G (p.Asn2285Asp)

Gene: DNAH11 (dynein axonemal heavy chain 11; plus strand). Cytogenetic location: 7p15.3.
Variant type: single nucleotide variant.
Coding change: c.6853A>G on transcript NM_001277115.2 (MANE Select); coding-DNA position 6853, A replaced by G.
Protein change: p.Asn2285Asp; replaces asparagine 2285 with aspartic acid.
Molecular consequence: missense variant.
Genome position (GRCh38, 1-based): chr7:21,711,730, A>G. VCF-style: chr7-21711730-A-G. GRCh37 (hg19) VCF-style: chr7-21751348-A-G.
Other names: c.6853A>G (NM_001277115.1); c.6874A>G, p.Asn2292Asp (NM_003777.3); short protein forms N2285D, N2292D.
Identifiers: ClinVar variation 2080843 (VCV002080843.2), dbSNP rs2534990562, ClinGen allele CA366941282.

ClinVar aggregate classification (germline): Uncertain significance. Review status: criteria provided, multiple submitters, no conflicts (2 of 4 stars). 2 submissions from 2 submitters: Uncertain significance (2). Last evaluated 2025-01-19.

Conditions:
Primary ciliary dyskinesia. Also called: Ciliary dyskinesia. Identifiers: Orphanet 244, MedGen C0008780, MONDO:0016575, HP:0012265.

Submissions (2):

Ambry Genetics
Classification: Uncertain significance for Primary ciliary dyskinesia. Last evaluated: 2025-01-19. Review status: criteria provided, single submitter. Criteria: Ambry Variant Classification Scheme 2023. Collection method: clinical testing. Allele origin: germline.

Labcorp Genetics (formerly Invitae), Labcorp
Classification: Uncertain significance for Primary ciliary dyskinesia. Last evaluated: 2022-09-27. Review status: criteria provided, single submitter. Criteria: Invitae Variant Classification Sherloc (09022015). Collection method: clinical testing. Allele origin: germline.
Comment: This sequence change replaces asparagine, which is neutral and polar, with aspartic acid, which is acidic and polar, at codon 2285 of the DNAH11 protein (p.Asn2285Asp). This variant is not present in population databases (gnomAD no frequency). This variant has not been reported in the literature in individuals affected with DNAH11-related conditions. Advanced modeling of protein sequence and biophysical properties (such as structural, functional, and spatial information, amino acid conservation, physicochemical variation, residue mobility, and thermodynamic stability) has been performed at Invitae for this missense variant, however the output from this modeling did not meet the statistical confidence thresholds required to predict the impact of this variant on DNAH11 protein function. In summary, the available evidence is currently insufficient to determine the role of this variant in disease. Therefore, it has been classified as a Variant of Uncertain Significance.